The following is an entry in ClinVar:

ClinVar aggregate classification (germline): Uncertain significance. Review status: criteria provided, multiple submitters, no conflicts (2 of 4 stars). 2 submissions from 2 submitters: Uncertain significance (2). Last evaluated 2023-12-04.

Conditions:
Cardiomyopathy (CMYO). Also called: Cardiomyopathies. Identifiers: Orphanet 167848, MedGen C0878544, MONDO:0004994, HP:0001638. Inheritance: Various modes of inheritance.
Hypertrophic cardiomyopathy. Also called: HYPERTROPHIC MYOCARDIOPATHY. Identifiers: Orphanet 217569, MedGen C0007194, MeSH D002312, MONDO:0005045, HP:0001639.

Submissions (2):

Color Diagnostics, LLC DBA Color Health
Classification: Uncertain significance for Cardiomyopathy. Last evaluated: 2023-12-04. Review status: criteria provided, single submitter. Criteria: ACMG Guidelines, 2015. Collection method: clinical testing. Allele origin: germline.
Comment: Variant of Uncertain Significance due to insufficient evidence: This missense variant is located in the proline-rich domain of the MYBPC3 protein. Computational prediction tools and conservation analyses are inconclusive regarding the impact of this variant on the protein function. Computational splicing tools suggest that this variant may not impact RNA splicing. To our knowledge, functional assays have not been performed for this variant nor has this variant been reported in individuals affected with cardiovascular disorders in the literature. This variant is rare in the general population and has been identified in 0/277264 chromosomes by the Genome Aggregation Database (gnomAD). Available evidence is insufficient to determine the pathogenicity of this variant conclusively.

All of Us Research Program, National Institutes of Health
Classification: Uncertain significance for Hypertrophic cardiomyopathy. Last evaluated: 2023-05-15. Review status: criteria provided, single submitter. Criteria: ACMG Guidelines, 2015. Collection method: clinical testing. Allele origin: germline. Inheritance: Autosomal dominant inheritance. Observed: 1 variant allele, 1 heterozygote.
Comment: Variant of Uncertain Significance due to insufficient evidence: This missense variant is located in the proline-rich domain of the MYBPC3 protein. Computational prediction tools and conservation analyses are inconclusive regarding the impact of this variant on the protein function. Computational splicing tools suggest that this variant may not impact RNA splicing. To our knowledge, functional assays have not been performed for this variant nor has this variant been reported in individuals affected with cardiovascular disorders in the literature. This variant is rare in the general population and has been identified in 0/277264 chromosomes by the Genome Aggregation Database (gnomAD). Available evidence is insufficient to determine the pathogenicity of this variant conclusively.

This study involves interpretation of variants in research participants for the purpose of population health screening. Participant phenotype was not available at the time of variant classification. Additional details can be found in publication PMID: 35346344, PMCID: PMC8962531

NM_000256.3(MYBPC3):c.449C>T (p.Pro150Leu)

Gene: MYBPC3 (myosin binding protein C3; minus strand). Cytogenetic location: 11p11.2.
Variant type: single nucleotide variant.
Coding change: c.449C>T on transcript NM_000256.3 (MANE Select); coding-DNA position 449, C replaced by T.
Protein change: p.Pro150Leu; replaces proline 150 with leucine.
Molecular consequence: missense variant.
Genome position (GRCh38, 1-based): chr11:47,350,070, G>A on the plus strand (C>T on the coding strand, the complement: MYBPC3 is on the minus strand). VCF-style: chr11-47350070-G-A. GRCh37 (hg19) VCF-style: chr11-47371621-G-A.
Other names: short protein forms P150L.
Identifiers: ClinVar variation 926088 (VCV000926088.6), dbSNP rs2095898975, ClinGen allele CA380338764.